The following is an entry in ClinVar:

NM_000548.5(TSC2):c.45_53del (p.Phe15_Ile17del)

Gene: TSC2 (TSC complex subunit 2; plus strand). Cytogenetic location: 16p13.3.
Variant type: Deletion.
Coding change: c.45_53del on transcript NM_000548.5 (MANE Select); coding-DNA positions 45 to 53, 9 bases deleted (TAAGATTCT; older notation c.45_53delTAAGATTCT).
Protein change: p.Phe15_Ile17del.
Molecular consequence: inframe deletion. On other transcripts: 5 prime UTR variant (1), intron variant (1).
Genome position (GRCh38, 1-based): chr16:2,048,660-2,048,668, TAAGATTCT deleted; deleting any 9 consecutive bases within chr16:2,048,659-2,048,668 gives the same sequence; the c. name uses the placement nearest the transcript's 3' end. VCF-style (leftmost placement, unchanged base first): chr16-2048658-TTTAAGATTC-T. GRCh37 (hg19) VCF-style: chr16-2098659-TTTAAGATTC-T.
Other names: c.45_53del, p.Phe15_Ile17del (NM_001077183.3, NM_001114382.3, NM_001318827.2 and 4 more transcripts); c.-182_-174del (NM_001318831.2); c.78_86del, p.Phe26_Ile28del (NM_001318832.2); c.-10+595_-10+603del (NM_001318829.2).
Identifiers: ClinVar variation 1364603 (VCV001364603.8), dbSNP rs2150970951, ClinGen allele CA2573151836.

ClinVar aggregate classification (germline): Uncertain significance (1 of 4 stars; one submission).

Conditions:
Tuberous sclerosis 2 (TSC2). Identifiers: Orphanet 805, MedGen C1860707, MONDO:0013199, OMIM 613254.

Submission:

Labcorp Genetics (formerly Invitae), Labcorp
Classification: Uncertain significance for Tuberous sclerosis 2. Last evaluated: 2021-06-29. Review status: criteria provided, single submitter. Criteria: Invitae Variant Classification Sherloc (09022015). Collection method: clinical testing. Allele origin: germline.
Comment: This variant has not been reported in the literature in individuals affected with TSC2-related conditions. This variant is not present in population databases (ExAC no frequency). This variant, c.45_53del, results in the deletion of 3 amino acid(s) of the TSC2 protein (p.Phe15_Ile17del), but otherwise preserves the integrity of the reading frame. Experimental studies and prediction algorithms are not available or were not evaluated, and the functional significance of this variant is currently unknown. In summary, the available evidence is currently insufficient to determine the role of this variant in disease. Therefore, it has been classified as a Variant of Uncertain Significance.